The following is an entry in ClinVar:

ClinVar aggregate classification (germline): Uncertain significance (1 of 4 stars; one submission).

Conditions:
PLXNA1-related disorder. Also called: PLXNA1-related condition.

Submission:

PreventionGenetics, part of Exact Sciences
Classification: Uncertain significance for PLXNA1-related condition. Last evaluated: 2025-03-26. Review status: criteria provided, single submitter. Criteria: ACMG Guidelines, 2015. Collection method: clinical testing. Allele origin: germline.
Comment: The PLXNA1 c.4779_4782delAGAC variant is predicted to result in a frameshift and premature protein termination (p.Asp1594Glyfs*48). To our knowledge, this variant has not been reported in the literature or in a large population database (gnomAD), indicating this variant is rare. Loss-of-function has not been established as a disease mechanism for this gene. Although we suspect that this variant may be pathogenic, at this time, the clinical significance of this variant is uncertain due to the absence of conclusive functional and genetic evidence.

NM_032242.4(PLXNA1):c.4779_4782del (p.Asp1594fs)

Gene: PLXNA1 (plexin A1; plus strand). Cytogenetic location: 3q21.3.
Variant type: Deletion.
Coding change: c.4779_4782del on transcript NM_032242.4 (MANE Select); coding-DNA positions 4779 to 4782, 4 bases deleted (AGAC; older notation c.4779_4782delAGAC).
Protein change: p.Asp1594fs; shifts the reading frame from aspartic acid 1594.
Molecular consequence: frameshift variant.
Genome position (GRCh38, 1-based): chr3:127,029,445-127,029,448, AGAC deleted; deleting any 4 consecutive bases within chr3:127,029,442-127,029,448 gives the same sequence; the c. name uses the placement nearest the transcript's 3' end. VCF-style (leftmost placement, unchanged base first): chr3-127029441-TGACA-T. GRCh37 (hg19) VCF-style: chr3-126748284-TGACA-T.
Other names: short protein forms D1594fs.
Identifiers: ClinVar variation 5000216 (VCV005000216.1).